The following is an entry in ClinVar:

ClinVar aggregate classification (germline): Likely benign (0 of 4 stars; one submission).

Conditions:
SLC2A2-related disorder. Also called: SLC2A2-related condition.

Submission:

PreventionGenetics, part of Exact Sciences
Classification: Likely benign for SLC2A2-related condition. Last evaluated: 2023-06-07. Review status: no assertion criteria provided. Collection method: clinical testing. Allele origin: germline.
Comment: This variant is classified as likely benign based on ACMG/AMP sequence variant interpretation guidelines (Richards et al. 2015 PMID: 25741868, with internal and published modifications).

NM_000340.2(SLC2A2):c.201G>A (p.Leu67=)

Gene: SLC2A2 (solute carrier family 2 member 2; minus strand). Cytogenetic location: 3q26.2.
Variant type: single nucleotide variant.
Coding change: c.201G>A on transcript NM_000340.2 (MANE Select); coding-DNA position 201, G replaced by A.
Protein change: p.Leu67=; no amino-acid change (leucine 67 retained).
Molecular consequence: synonymous variant. On other transcripts: 5 prime UTR variant (1), intron variant (1).
Genome position (GRCh38, 1-based): chr3:171,014,639, C>T on the plus strand (G>A on the coding strand, the complement: SLC2A2 is on the minus strand). VCF-style: chr3-171014639-C-T. GRCh37 (hg19) VCF-style: chr3-170732428-C-T.
Other names: c.-194G>A (NM_001278659.2); c.14+3892G>A (NM_001278658.2).
Identifiers: ClinVar variation 3055251 (VCV003055251.2), dbSNP rs2473916643, ClinGen allele CA436776015.